The following is an entry in ClinVar:

NM_001367561.1(DOCK7):c.5218A>C (p.Asn1740His)

Gene: DOCK7 (dedicator of cytokinesis 7; minus strand). Cytogenetic location: 1p31.3.
Variant type: single nucleotide variant.
Coding change: c.5218A>C on transcript NM_001367561.1 (MANE Select); coding-DNA position 5218, A replaced by C.
Protein change: p.Asn1740His; replaces asparagine 1740 with histidine.
Molecular consequence: missense variant.
Genome position (GRCh38, 1-based): chr1:62,492,847, T>G on the plus strand (A>C on the coding strand, the complement: DOCK7 is on the minus strand). VCF-style: chr1-62492847-T-G. GRCh37 (hg19) VCF-style: chr1-62958518-T-G.
Other names: c.5191A>C, p.Asn1731His (NM_001271999.2, NM_001330614.2); c.5098A>C, p.Asn1700His (NM_001272000.2, NM_001272001.2); c.5125A>C, p.Asn1709His (NM_033407.4); short protein forms N1740H, N1731H, N1709H, N1700H.
Identifiers: ClinVar variation 1476016 (VCV001476016.8), dbSNP rs2149295052, ClinGen allele CA340611651.

ClinVar aggregate classification (germline): Uncertain significance (1 of 4 stars; one submission).

Conditions:
Developmental and epileptic encephalopathy, 23 (DEE23). Also called: Epileptic encephalopathy, early infantile, 23. Identifiers: Orphanet 411986, MedGen C4014492, MONDO:0014371, OMIM 615859.

Submission:

Labcorp Genetics (formerly Invitae), Labcorp
Classification: Uncertain significance for Developmental and epileptic encephalopathy, 23. Last evaluated: 2022-07-05. Review status: criteria provided, single submitter. Criteria: Invitae Variant Classification Sherloc (09022015). Collection method: clinical testing. Allele origin: germline.
Comment: Algorithms developed to predict the effect of sequence changes on RNA splicing suggest that this variant may create or strengthen a splice site. Algorithms developed to predict the effect of missense changes on protein structure and function (SIFT, PolyPhen-2, Align-GVGD) all suggest that this variant is likely to be tolerated. ClinVar contains an entry for this variant (Variation ID: 1476016). This variant has not been reported in the literature in individuals affected with DOCK7-related conditions. This variant is not present in population databases (gnomAD no frequency). This sequence change replaces asparagine, which is neutral and polar, with histidine, which is basic and polar, at codon 1731 of the DOCK7 protein (p.Asn1731His). In summary, the available evidence is currently insufficient to determine the role of this variant in disease. Therefore, it has been classified as a Variant of Uncertain Significance.